The following is an entry in ClinVar:

ClinVar aggregate classification (germline): Benign/Likely benign. Review status: criteria provided, multiple submitters, no conflicts (2 of 4 stars). 22 submissions from 20 submitters: Benign (14); Likely benign (3). 5 of the submissions do not count toward it. Last evaluated 2026-02-04.

Conditions:
Cardiovascular phenotype. Identifiers: MedGen CN230736.
Hypercholesterolemia, autosomal dominant, type B (FHCL2). Also called: Familial Hypercholesterolemia Type B; APOLIPOPROTEIN B-100, FAMILIAL DEFECTIVE; APOLIPOPROTEIN B-100, FAMILIAL LIGAND-DEFECTIVE; HYPERCHOLESTEROLEMIA, FAMILIAL, DUE TO LIGAND-DEFECTIVE APOLIPOPROTEIN B; Hyperlipoproteinemia Type IIb; Familial hypercholesterolemia 2. Identifiers: MedGen C1704417, MONDO:0007751, OMIM 144010.
Familial hypobetalipoproteinemia 1. Also called: Hypobetalipoproteinemia, normotriglyceridemic; Acanthocytosis with hypobetalipoproteinemia; APOB-Related Familial Hypobetalipoproteinemia. Identifiers: MedGen C4551990, MONDO:0014252, OMIM 615558.
Familial hypercholesterolemia. Also called: Familial hypercholesterolemias; Familial hypercholesterolaemia. Identifiers: MedGen C0020445, MONDO:0005439.
Hypercholesterolemia, familial, 1. Also called: LDL RECEPTOR DISORDER; Hyperlipoproteinemia Type IIa; HYPER-LOW-DENSITY-LIPOPROTEINEMIA; HYPERCHOLESTEROLEMIC XANTHOMATOSIS, FAMILIAL; Fredrickson type IIa hyperlipoproteinemia; Hyperlipoproteinemia type 2. Identifiers: Orphanet 391665, MedGen C0745103, MONDO:0007750, OMIM 143890.
Warfarin response. Also called: Warfarin sensitivity; COUMARIN SENSITIVITY; COUMARIN, POOR METABOLISM OF; WARFARIN RESISTANCE; Coumarin resistance; Coumadin response. Identifiers: MedGen C0750384, MONDO:0007390, OMIM 122700.

Allele frequency attached by ClinVar (database versions not stated): ESP Exome Variant Server 0.36552; TOPMed 0.37197; gnomAD 0.40054; 1000 Genomes Project 30x 0.47205; gnomAD exomes 0.47700; 1000 Genomes Project 0.48502; ExAC 0.48570.

Submissions (22):

Labcorp Genetics (formerly Invitae), Labcorp
Classification: Benign for Familial hypobetalipoproteinemia 1; Hypercholesterolemia, autosomal dominant, type B. Last evaluated: 2026-02-04. Review status: criteria provided, single submitter. Criteria: Invitae Variant Classification Sherloc (09022015). Collection method: clinical testing. Allele origin: germline.

Molecular Diagnostic Laboratory for Inherited Cardiovascular Disease, Montreal Heart Institute
Classification: Benign. Last evaluated: 2025-04-09. Review status: criteria provided, single submitter. Criteria: ACMG Guidelines, 2015. Collection method: clinical testing. Allele origin: germline. Affected: no.

Blueprint Genetics
Classification: Benign. Last evaluated: 2024-11-26. Review status: criteria provided, single submitter. Criteria: ACMG Guidelines, 2015. Collection method: clinical testing. Allele origin: germline.

GENinCode PLC
Classification: Benign for Familial hypercholesterolemia. Last evaluated: 2024-06-19. Review status: criteria provided, single submitter. Criteria: ACMG Guidelines, 2015. Collection method: clinical testing. Allele origin: germline.

Genome-Nilou Lab
Classification: Benign for Hypercholesterolemia, autosomal dominant, type B. Last evaluated: 2021-07-14. Review status: criteria provided, single submitter. Criteria: ACMG Guidelines, 2015. Collection method: clinical testing. Allele origin: germline. Affected: no.

Genome-Nilou Lab
Classification: Benign for Familial hypobetalipoproteinemia 1. Last evaluated: 2021-07-14. Review status: criteria provided, single submitter. Criteria: ACMG Guidelines, 2015. Collection method: clinical testing. Allele origin: germline. Affected: no.

Mendelics
Classification: Benign for Hypercholesterolemia, familial, 1. Last evaluated: 2019-05-28. Review status: criteria provided, single submitter. Criteria: Mendelics Assertion Criteria 2017. Collection method: clinical testing. Allele origin: unknown.

Color Diagnostics, LLC DBA Color Health
Classification: Benign for Familial hypercholesterolemia. Last evaluated: 2017-06-26. Review status: criteria provided, single submitter. Criteria: ACMG Guidelines, 2015. Collection method: clinical testing. Allele origin: germline.

Illumina Laboratory Services, Illumina
Classification: Likely benign for Familial hypobetalipoproteinemia 1. Last evaluated: 2017-04-27. Review status: criteria provided, single submitter. Criteria: ICSL Variant Classification Criteria 13 December 2019. Collection method: clinical testing. Allele origin: germline.
Comment: This variant was observed as part of a predisposition screen in an ostensibly healthy population. A literature search was performed for the gene, cDNA change, and amino acid change (where applicable). No publications were found based on this search. Allele frequency data from public databases allowed determination this variant is unlikely to cause disease. Therefore, this variant is classified as likely benign.

Illumina Laboratory Services, Illumina
Classification: Likely benign for Hypercholesterolemia, autosomal dominant, type B. Last evaluated: 2017-04-27. Review status: criteria provided, single submitter. Criteria: ICSL Variant Classification Criteria 13 December 2019. Collection method: clinical testing. Allele origin: germline.
Comment: the same text as in the submission from Illumina Laboratory Services, Illumina above.

GeneDx
Classification: Benign. Last evaluated: 2016-10-18. Review status: criteria provided, single submitter. Criteria: GeneDx Variant Classification (06012015). Collection method: clinical testing. Allele origin: germline. Affected: yes.
Comment: This variant is considered likely benign or benign based on one or more of the following criteria: it is a conservative change, it occurs at a poorly conserved position in the protein, it is predicted to be benign by multiple in silico algorithms, and/or has population frequency not consistent with disease.

Cardiovascular Research Group, Instituto Nacional de Saude Doutor Ricardo Jorge
Classification: Benign for Familial hypercholesterolemia. Last evaluated: 2016-03-01. Review status: criteria provided, single submitter. Criteria: ACMG Guidelines, 2015. Collection method: research. Allele origin: germline. Affected: yes.

Laboratory of Genetics and Molecular Cardiology, University of São Paulo
Classification: Benign for Familial hypercholesterolemia. Last evaluated: 2016-03-01. Review status: criteria provided, single submitter. Criteria: ACMG Guidelines, 2015. Collection method: research. Allele origin: germline. Study: HipercolBrasil.

Ambry Genetics
Classification: Benign for Cardiovascular phenotype. Last evaluated: 2015-12-08. Review status: criteria provided, single submitter. Criteria: Ambry Variant Classification Scheme 2023. Collection method: clinical testing. Allele origin: germline.

Mayo Clinic Laboratories, Mayo Clinic
Classification: Benign. Last evaluated: 2014-02-26. Review status: criteria provided, single submitter. Criteria: ACMG Guidelines, 2015. Collection method: clinical testing. Allele origin: germline. Observed: 925 variant alleles.

Breakthrough Genomics
Classification: Likely benign. Review status: criteria provided, single submitter. Criteria: ACMG Guidelines, 2015. Collection method: not provided. Allele origin: germline. Inheritance: Autosomal recessive inheritance. Affected: yes.

PreventionGenetics, part of Exact Sciences
Classification: Benign. Review status: criteria provided, single submitter. Criteria: ACMG Guidelines, 2015. Collection method: clinical testing. Allele origin: germline.

Cohesion Phenomics
Classification: Benign for Familial hypercholesterolemia. Last evaluated: 2023-02-09. Review status: no assertion criteria provided. Criteria: ACMG Guidelines, 2015. Collection method: clinical testing. Allele origin: germline. Affected: yes. Not counted in ClinVar's aggregate classification.

Pharmacogenomics Lab, Chungbuk National University
Classification: drug response for Warfarin response. Last evaluated: 2010-08-31. Review status: no assertion criteria provided. Collection method: research. Allele origin: unknown. Affected: yes. Observed: 39 variant alleles. Not counted in ClinVar's aggregate classification.
Comment: In patients receiving warfarin after mechanical valve replacement, G allele carriers of rs679899 had 6.4 times increased risk of bleeding.

Clinical Genetics, Academic Medical Center
Classification: Benign. Review status: no assertion criteria provided. Collection method: clinical testing. Allele origin: germline. Affected: yes. Study: VKGL Data-share Consensus. Not counted in ClinVar's aggregate classification.

Diagnostic Laboratory, Department of Genetics, University Medical Center Groningen
Classification: Benign. Review status: no assertion criteria provided. Collection method: clinical testing. Allele origin: germline. Affected: yes. Study: VKGL Data-share Consensus. Not counted in ClinVar's aggregate classification.

Genetic Services Laboratory, University of Chicago
Classification: Likely benign for AllHighlyPenetrant. Review status: no assertion criteria provided. Collection method: clinical testing. Allele origin: germline. Inheritance: Autosomal dominant inheritance. Not counted in ClinVar's aggregate classification.
Comment: Likely benign based on allele frequency in 1000 Genomes Project or ESP global frequency and its presence in a patient with a rare or unrelated disease phenotype. NOT Sanger confirmed.

NM_000384.3(APOB):c.1853C>T (p.Ala618Val)

Gene: APOB (apolipoprotein B; minus strand). Cytogenetic location: 2p24.1.
Variant type: single nucleotide variant.
Coding change: c.1853C>T on transcript NM_000384.3 (MANE Select); coding-DNA position 1853, C replaced by T.
Protein change: p.Ala618Val; replaces alanine 618 with valine.
Molecular consequence: missense variant.
Genome position (GRCh38, 1-based): chr2:21,028,042, G>A on the plus strand (C>T on the coding strand, the complement: APOB is on the minus strand). VCF-style: chr2-21028042-G-A. GRCh37 (hg19) VCF-style: chr2-21250914-G-A.
Other names: p.Ala618Val; short protein forms A618V.
Identifiers: ClinVar variation 128420 (VCV000128420.42), dbSNP rs679899, ClinGen allele CA022801.